The following is an entry in ClinVar:

NM_000492.4(CFTR):c.2988+1G>T

Genes: CFTR (CF transmembrane conductance regulator; plus strand), CFTR-AS2 (CFTR antisense RNA 2; minus strand). Cytogenetic location: 7q31.2.
Variant type: single nucleotide variant.
Coding change: c.2988+1G>T on transcript NM_000492.4 (MANE Select); the canonical splice donor site of the intron after coding-DNA position 2988, G replaced by T.
Molecular consequence: splice donor variant.
Genome position (GRCh38, 1-based): chr7:117,606,754, G>T. VCF-style: chr7-117606754-G-T. GRCh37 (hg19) VCF-style: chr7-117246808-G-T.
Identifiers: ClinVar variation 632766 (VCV000632766.8), dbSNP rs75096551, ClinGen allele CA368989259.

ClinVar aggregate classification (germline): Pathogenic/Likely pathogenic. Review status: criteria provided, multiple submitters, no conflicts (2 of 4 stars). 4 submissions from 4 submitters: Pathogenic (2); Likely pathogenic (2). Last evaluated 2024-12-31.

Conditions:
CFTR-related disorder (CFTR-RD). Also called: CFTR-related condition; CFTR-related disorders. Identifiers: MedGen C5924204, MONDO:7770004.
Cystic fibrosis (CF). Also called: MUCOVISCIDOSIS. Identifiers: Orphanet 586, MedGen C0010674, MONDO:0009061, OMIM 219700. Disease mechanism: loss of function.
Bronchiectasis with or without elevated sweat chloride 1 (BESC1). Also called: Cystic Fibrosis-Like Syndrome. Identifiers: Orphanet 60033, MedGen C2749757, MONDO:0008887, OMIM 211400.
Hereditary pancreatitis (PCTT). Also called: Hereditary chronic pancreatitis; PRSS1-Related Hereditary Pancreatitis. Identifiers: Orphanet 676, MedGen C0238339, MONDO:0008185, OMIM 167800.
Congenital bilateral aplasia of vas deferens from CFTR mutation (CBAVD). Identifiers: Orphanet 48, MedGen C0403814, MONDO:0010178, OMIM 277180. Disease mechanism: loss of function.

gnomAD v4.1: 1 of 1,525,228 alleles (0.000066%); highest among the groups gnomAD compares: Non-Finnish European, 0.000091%; no homozygotes.

Submissions (4):

Natera, Inc.
Classification: Pathogenic for CFTR-related disorders. Last evaluated: 2024-12-31. Review status: criteria provided, single submitter. Criteria: Natera Variant Classification Schema (03/2026). Collection method: clinical testing. Allele origin: germline.
Comment: The c.2988+1G>T variant in CFTR is a canonical splice donor site variant predicted to affect pre-mRNA splicing, which may result in an abnormal transcript and altered protein product. This variant is expected to result in nonsense mediated decay, truncation, or a dysfunctional protein product. This variant is rare in the general population with a frequency below the threshold expected for the associated phenotype(s). Another variant at this same site results in an alteration predicted to cause a similar molecular effect has been observed in individual(s) with the associated phenotype. Given the available evidence, this variant is classified as Pathogenic.

Labcorp Genetics (formerly Invitae), Labcorp
Classification: Pathogenic for Cystic fibrosis. Last evaluated: 2024-12-19. Review status: criteria provided, single submitter. Criteria: Invitae Variant Classification Sherloc (09022015). Collection method: clinical testing. Allele origin: germline.
Comment: This sequence change affects a donor splice site in intron 18 of the CFTR gene. It is expected to disrupt RNA splicing. Variants that disrupt the donor or acceptor splice site typically lead to a loss of protein function (PMID: 16199547), and loss-of-function variants in CFTR are known to be pathogenic (PMID: 1695717, 7691345, 9725922). This variant is not present in population databases (gnomAD no frequency). Disruption of this splice site has been observed in individuals with cystic fibrosis (PMID: 15371902, 23974870). ClinVar contains an entry for this variant (Variation ID: 632766). Algorithms developed to predict the effect of sequence changes on RNA splicing suggest that this variant may disrupt the consensus splice site. For these reasons, this variant has been classified as Pathogenic.

Fulgent Genetics
Classification: Likely pathogenic for Hereditary pancreatitis; Bronchiectasis with or without elevated sweat chloride 1; Cystic fibrosis; Congenital bilateral aplasia of vas deferens from CFTR mutation. Last evaluated: 2024-01-23. Review status: criteria provided, single submitter. Criteria: ACMG Guidelines, 2015. Collection method: clinical testing. Allele origin: germline.

Women's Health and Genetics/Laboratory Corporation of America, LabCorp
Classification: Likely pathogenic. Last evaluated: 2017-11-30. Review status: criteria provided, single submitter. Criteria: LabCorp Variant Classification Summary - May 2015. Collection method: clinical testing. Allele origin: germline.
Comment: Variant summary: The CFTR c.2988+1G>T variant (also known as 3120+1G>T) involves the alteration of a conserved intronic nucleotide and 4/5 splice prediction tools predict no significant impact on normal splicing. However, these predictions have yet to be confirmed by functional studies. This variant is absent in 276728 control chromosomes (gnomAD). Even though this variant has been reported in multiple affected CF pts across ethnicities (Watson_2004 and Palomaki_2004), the exact nature of nucleotide change in those reports is suspicious. To our knowledge, the variant of interest has not been cited by reputable databases and/or clinical diagnostic laboratories. Although, another variant at this position, c.2988+1G>A, has been highly reported as a common pathogenic mutation. Taken together, this variant is classified as likely pathogenic.

Literature cited by the submitters: PubMed 16199547 (cited by Labcorp Genetics (formerly Invitae), Labcorp); PubMed 1695717 (cited by Labcorp Genetics (formerly Invitae), Labcorp); PubMed 7691345 (cited by Labcorp Genetics (formerly Invitae), Labcorp); PubMed 9725922 (cited by Labcorp Genetics (formerly Invitae), Labcorp); PubMed 15371902 (cited by Labcorp Genetics (formerly Invitae), Labcorp and Women's Health and Genetics/Laboratory Corporation of America, LabCorp); PubMed 23974870 (cited by Labcorp Genetics (formerly Invitae), Labcorp); PubMed 17251329 (cited by Women's Health and Genetics/Laboratory Corporation of America, LabCorp); PubMed 15371905 (cited by Women's Health and Genetics/Laboratory Corporation of America, LabCorp); PubMed 20616359 (cited by Women's Health and Genetics/Laboratory Corporation of America, LabCorp); PubMed 19359498 (cited by Women's Health and Genetics/Laboratory Corporation of America, LabCorp).